The following is an entry in ClinVar:

ClinVar aggregate classification (germline): Pathogenic (1 of 4 stars; one submission).

Submission:

Labcorp Genetics (formerly Invitae), Labcorp
Classification: Pathogenic. Last evaluated: 2025-03-07. Review status: criteria provided, single submitter. Criteria: Invitae Variant Classification Sherloc (09022015). Collection method: clinical testing. Allele origin: germline.
Comment: This sequence change creates a premature translational stop signal (p.Leu652Glufs*2) in the HGF gene. It is expected to result in an absent or disrupted protein product. Loss-of-function variants in HGF are known to be pathogenic (PMID: 38676400, 38791500). This variant is not present in population databases (gnomAD no frequency). This variant has not been reported in the literature in individuals affected with HGF-related conditions. ClinVar contains an entry for this variant (Variation ID: 2044269). Algorithms developed to predict the effect of sequence changes on RNA splicing suggest that this variant may disrupt the consensus splice site. For these reasons, this variant has been classified as Pathogenic.

Literature cited by the submitters: PubMed 38676400; PubMed 38791500.

NM_000601.6(HGF):c.1953_1954insGAATGAGT (p.Leu652delinsGluTer)

Gene: HGF (hepatocyte growth factor; minus strand). Cytogenetic location: 7q21.11.
Variant type: Insertion.
Coding change: c.1953_1954insGAATGAGT on transcript NM_000601.6 (MANE Select); coding-DNA positions 1953 to 1954, GAATGAGT inserted.
Protein change: p.Leu652delinsGluTer.
Molecular consequence: nonsense.
Genome position: GRCh38 VCF-style: chr7-81705446-G-GACTCATTC. GRCh37 (hg19) VCF-style: chr7-81334762-G-GACTCATTC.
Other names: c.1938_1939insGAATGAGT, p.Leu647delinsGluTer (NM_001010932.3).
Identifiers: ClinVar variation 2044269 (VCV002044269.4), dbSNP rs2535215694, ClinGen allele CA2580077376.